The following is an entry in ClinVar:

ClinVar aggregate classification (germline): Uncertain significance. Review status: criteria provided, multiple submitters, no conflicts (2 of 4 stars). 3 submissions from 3 submitters: Uncertain significance (3). Last evaluated 2026-02-11.

Conditions:
Long QT syndrome (LQTS). Identifiers: MedGen C0023976, MeSH D008133, MONDO:0002442. Disease mechanism: loss of function. Inheritance: Various modes of inheritance.
Timothy syndrome (TS). Also called: LONG QT SYNDROME WITH SYNDACTYLY. Identifiers: Orphanet 65283, MedGen C1832916, MeSH C536962, MONDO:0010979, OMIM 601005.

Allele frequency attached by ClinVar (database versions not stated): gnomAD exomes below 0.00001.
gnomAD v4.1: 1 of 1,611,172 alleles (0.000062%); highest among the groups gnomAD compares: South Asian, 0.0011%; no homozygotes.

Submissions (3):

Dasa
Classification: Uncertain significance for Timothy syndrome. Last evaluated: 2026-02-11. Review status: criteria provided, single submitter. Criteria: DASA Assertion Criteria. Collection method: clinical testing. Allele origin: germline.
Comment: NM_000719.7(CACNA1C):c.3373A>G (p.Ile1125Val) is a missense variant that results in the substitution of isoleucine with valine. This variant is rare in population databases. Computational prediction algorithms are consistent with a deleterious effect. The currently available literature and clinical evidence are not sufficient to establish a definitive association between this variant and the reported condition. Therefore, this variant is classified as a variant of uncertain significance.

Labcorp Genetics (formerly Invitae), Labcorp
Classification: Uncertain significance for Long QT syndrome. Last evaluated: 2023-02-24. Review status: criteria provided, single submitter. Criteria: Invitae Variant Classification Sherloc (09022015). Collection method: clinical testing. Allele origin: germline.
Comment: This sequence change replaces isoleucine, which is neutral and non-polar, with valine, which is neutral and non-polar, at codon 1125 of the CACNA1C protein (p.Ile1125Val). In summary, the available evidence is currently insufficient to determine the role of this variant in disease. Therefore, it has been classified as a Variant of Uncertain Significance. Advanced modeling of protein sequence and biophysical properties (such as structural, functional, and spatial information, amino acid conservation, physicochemical variation, residue mobility, and thermodynamic stability) has been performed at Invitae for this missense variant, however the output from this modeling did not meet the statistical confidence thresholds required to predict the impact of this variant on CACNA1C protein function. ClinVar contains an entry for this variant (Variation ID: 166770). This variant has not been reported in the literature in individuals affected with CACNA1C-related conditions. This variant is not present in population databases (gnomAD no frequency).

Eurofins Ntd Llc (ga)
Classification: Uncertain significance. Last evaluated: 2014-03-31. Review status: criteria provided, single submitter. Criteria: EGL Classification Definitions 2015. Collection method: clinical testing. Allele origin: germline. Observed: 1 variant allele, 1 heterozygote.

NM_000719.7(CACNA1C):c.3373A>G (p.Ile1125Val)

Gene: CACNA1C (calcium voltage-gated channel subunit alpha1 C; plus strand). Cytogenetic location: 12p13.33.
Variant type: single nucleotide variant.
Coding change: c.3373A>G on transcript NM_000719.7 (MANE Select); coding-DNA position 3373, A replaced by G.
Protein change: p.Ile1125Val; replaces isoleucine 1125 with valine.
Molecular consequence: missense variant.
Genome position (GRCh38, 1-based): chr12:2,608,527, A>G. VCF-style: chr12-2608527-A-G. GRCh37 (hg19) VCF-style: chr12-2717693-A-G.
Other names: c.3433A>G, p.Ile1145Val (NM_001129827.2, NM_001129832.2, NM_199460.4); c.3373A>G, p.Ile1125Val (NM_001129829.2, NM_001129830.3, NM_001129831.2 and 15 more transcripts); c.3364A>G, p.Ile1122Val (NM_001129844.2); short protein forms I1125V, I1145V, I1122V.
Identifiers: ClinVar variation 166770 (VCV000166770.11), dbSNP rs727503834, ClinGen allele CA233582.
Genomic context (GRCh38, chr12:2,608,527, plus strand): 5'-CCTGCTTCTCCAGTTCCCTCTGTGGGACCTGTCTCCTCCTGCAGGCTGCTGTACCGCTCC[A>G]TCGACTCCCACACGGAAGACAAGGGCCCCATCTACAACTACCGTGTGGAGATCTCCATCT-3'
Protein context (NP_000710.5, residues 1115-1135): EGWPELLYRS[Ile1125Val]DSHTEDKGPI